The following is an entry in ClinVar:

NM_001130987.2(DYSF):c.991G>A (p.Gly331Arg)

Gene: DYSF (dysferlin; plus strand). Cytogenetic location: 2p13.2.
Variant type: single nucleotide variant.
Coding change: c.991G>A on transcript NM_001130987.2 (MANE Select); coding-DNA position 991, G replaced by A.
Protein change: p.Gly331Arg; replaces glycine 331 with arginine.
Molecular consequence: missense variant.
Genome position (GRCh38, 1-based): chr2:71,517,028, G>A. VCF-style: chr2-71517028-G-A. GRCh37 (hg19) VCF-style: chr2-71744158-G-A.
Other names: NM_001130987.2(DYSF):c.991G>A; p.Gly331Arg; c.898G>A, p.Gly300Arg (NM_001130455.2, NM_001130983.2, NM_001130984.2 and 1 more transcripts); c.895G>A, p.Gly299Arg (NM_001130976.2, NM_001130977.2, NM_001130978.2 and 1 more transcripts); c.988G>A, p.Gly330Arg (NM_001130979.2, NM_001130980.2, NM_001130981.2); c.991G>A, p.Gly331Arg (NM_001130982.2, NM_001130985.2); short protein forms G299R, G331R, G300R, G330R.
Identifiers: ClinVar variation 6681 (VCV000006681.22), dbSNP rs121908963, ClinGen allele CA253916.

ClinVar aggregate classification (germline): Pathogenic. Review status: reviewed by expert panel (3 of 4 stars). 9 submissions from 9 submitters: Pathogenic (1). 8 of the submissions do not count toward it. Last evaluated 2025-07-29.

Conditions:
Autosomal recessive limb-girdle muscular dystrophy. Identifiers: Orphanet 102015, MedGen C2931907, MONDO:0015152.
Neuromuscular disease caused by qualitative or quantitative defects of dysferlin. Also called: Dysferlinopathy; Qualitative or quantitative defects of dysferlin. Identifiers: Orphanet 207073, MedGen C2931687, MONDO:0016145.
Autosomal recessive limb-girdle muscular dystrophy type 2B (LGMDR2). Also called: Limb-girdle muscular dystrophy, type 2B; MUSCULAR DYSTROPHY, LIMB-GIRDLE, TYPE 3; Limb-Girdle Muscular Dystrophy Type 2B (LGMD2B); MUSCULAR DYSTROPHY, LIMB-GIRDLE, AUTOSOMAL RECESSIVE 2. Identifiers: Orphanet 268, MedGen C1850889, MONDO:0009676, OMIM 253601.
Miyoshi muscular dystrophy 1 (MMD1). Identifiers: Orphanet 45448, MedGen C4551973, MONDO:0024545, OMIM 254130.

Allele frequency attached by ClinVar (database versions not stated): gnomAD 0.00001; TOPMed 0.00001.

Submissions (9):

ClinGen Limb Girdle Muscular Dystrophy Variant Curation Expert Panel, ClinGen
Classification: Pathogenic for Autosomal recessive limb-girdle muscular dystrophy. Last evaluated: 2025-07-29. Review status: reviewed by expert panel. Criteria: ClinGen LGMD VCEP ACMG Specifications DYSF V1.0.0. Collection method: curation. Allele origin: germline. Inheritance: Autosomal recessive inheritance.
Comment: The NM_003494.4: c.895G>A variant in DYSF, which is also known as NM_001130987.2: c.991G>A (p.Gly331Arg), is a missense variant predicted to cause substitution of glycine by arginine at amino acid 299, p.(Gly299Arg). This variant has been reported in at least two individuals with clinical features consistent with LGMD, including confirmed in trans with a pathogenic variant in one patient (NM_003494.4: c.855+1del, 1.0 pt, PMID: 16705711, 28877744; PM3). At least one of these patients had a clinical diagnosis of LGMD and severely reduced or absent dysferlin protein expression, which is highly specific for DYSF-associated LGMD (PMID: 16705711; PP4_Strong). This variant has also been shown to co-segregate with the LGMD phenotype in one affected family member (PMID: 16705711; PP1). The frequency of this variant in the East Asian population in gnomAD v4.1.0 is 0.00002228 (1/44890 chromosomes), which is less than the ClinGen LGMD VCEP threshold (≤0.0001) (PM2_Supporting). Immunofluorescence and 2-A assays of dysferlin membrane localization in HEK293T cells showed the Gly299Arg protein did not reach the cell membrane, indicating an impact on protein function (PMID: 35028538; PS3_Moderate). The computational predictor REVEL gives a score of 0.968, which is above the LGMD VCEP threshold of 0.70, evidence that correlates with impact to DYSF function (PP3). In summary, this variant meets the criteria to be classified as Pathogenic for autosomal recessive limb-girdle muscular dystrophy based on the ACMG/AMP criteria applied, as specified by the ClinGen LGMD VCEP (LGMD VCEP specifications version 1.0.0; 07/29/2025): PM3, PP4_Strong, PP1, PM2_Supporting, PS3_Moderate, PP3.

Natera, Inc.
Classification: Pathogenic for Limb-girdle muscular dystrophy type 2B. Last evaluated: 2026-01-26. Review status: criteria provided, single submitter. Criteria: Natera Variant Classification Schema (03/2026). Collection method: clinical testing. Allele origin: germline. Not counted in ClinVar's aggregate classification.
Comment: The c.895G>A variant in DYSF is a missense variant predicted to cause substitution of glycine to arginine at amino acid 299. This variant is rare in the general population with a frequency below the threshold expected for the associated phenotype(s). This variant has been observed in one or more individuals affected with the associated recessive disease, as either homozygous or compound heterozygous with a second variant (PMID: 27647186, 17698709, 16705711). Additionally, this variant has been observed to segregate in affected family members (PMID: 16705711). Computational prediction algorithms indicate this variant is likely to affect gene or protein function. Given the available evidence, this variant is classified as Pathogenic.

Labcorp Genetics (formerly Invitae), Labcorp
Classification: Pathogenic for Neuromuscular disease caused by qualitative or quantitative defects of dysferlin. Last evaluated: 2025-09-03. Review status: criteria provided, single submitter. Criteria: Invitae Variant Classification Sherloc (09022015). Collection method: clinical testing. Allele origin: germline. Not counted in ClinVar's aggregate classification.
Comment: This sequence change replaces glycine, which is neutral and non-polar, with arginine, which is basic and polar, at codon 299 of the DYSF protein (p.Gly299Arg). This variant is present in population databases (rs121908963, gnomAD 0.06%). This missense change has been observed in individual(s) with DYSF-related conditions (PMID: 16705711, 18853459, 27647186). In at least one individual the data is consistent with being in trans (on the opposite chromosome) from a pathogenic variant. It has also been observed to segregate with disease in related individuals. ClinVar contains an entry for this variant (Variation ID: 6681). Invitae Evidence Modeling of protein sequence and biophysical properties (such as structural, functional, and spatial information, amino acid conservation, physicochemical variation, residue mobility, and thermodynamic stability) indicates that this missense variant is expected to disrupt DYSF protein function with a positive predictive value of 95%. Experimental studies have shown that this missense change affects DYSF function (PMID: 23185377). For these reasons, this variant has been classified as Pathogenic.

Baylor Genetics
Classification: Pathogenic for Miyoshi muscular dystrophy 1. Last evaluated: 2024-02-08. Review status: criteria provided, single submitter. Criteria: ACMG Guidelines, 2015. Collection method: clinical testing. Allele origin: unknown. Not counted in ClinVar's aggregate classification.

Revvity Omics, Revvity
Classification: Pathogenic. Last evaluated: 2023-06-23. Review status: criteria provided, single submitter. Criteria: ACMG Guidelines, 2015. Collection method: clinical testing. Allele origin: germline. Not counted in ClinVar's aggregate classification.

Illumina Laboratory Services, Illumina
Classification: Pathogenic for Dysferlinopathy. Last evaluated: 2023-05-30. Review status: criteria provided, single submitter. Criteria: ICSLVariantClassificationCriteria RUGD 01 April 2020. Collection method: clinical testing. Allele origin: unknown. Not counted in ClinVar's aggregate classification.
Comment: The DYSF c.991G>A (p.Gly331Arg) missense variant, also known as, c.895G>A (p.Gly299Arg), has been identified in trans with pathogenic variants in individuals with a phenotype consistent with dysferlinopathy (PMID: 18853459; 22297152; 23185377; 27647186; 16705711). In one family, this variant was shown to segregate with disease in two affected siblings (PMID: 16705711). This variant is reported in the Genome Aggregation Database in one allele at a frequency of 0.000643 in the East Asian population (version 2.1.1). Structural modelling studies support an effect of this variant on protein folding of the dysferlin protein (PMID: 16705711). Multiple lines of computational evidence suggest the variant may impact the gene or gene product. The c.991G>A variant was observed in a homozygous state. Based on the available evidence, the c.991G>A (p.Gly331Arg) variant is classified as pathogenic for dysferlinopathy.

Eurofins Ntd Llc (ga)
Classification: Pathogenic. Last evaluated: 2016-11-28. Review status: criteria provided, single submitter. Criteria: EGL Classification Definitions 2015. Collection method: clinical testing. Allele origin: germline. Observed: 1 variant allele, 1 heterozygote. Not counted in ClinVar's aggregate classification.

Counsyl
Classification: Likely pathogenic for Autosomal recessive limb-girdle muscular dystrophy type 2B. Last evaluated: 2018-03-30. Review status: no assertion criteria provided. Collection method: clinical testing. Allele origin: unknown. Not counted in ClinVar's aggregate classification.

OMIM
Classification: Pathogenic for MUSCULAR DYSTROPHY, LIMB-GIRDLE, AUTOSOMAL RECESSIVE 2. Last evaluated: 2008-03-01. Review status: no assertion criteria provided. Collection method: literature only. Allele origin: germline. Not counted in ClinVar's aggregate classification.

Literature cited by the submitters: PubMed 27647186 (cited by 3 submitters); PubMed 17698709 (cited by Natera, Inc.); PubMed 16705711 (cited by 4 submitters); PubMed 18853459 (cited by 3 submitters); PubMed 23185377 (cited by 3 submitters); PubMed 27229680 (cited by Illumina Laboratory Services, Illumina and Counsyl); PubMed 22297152 (cited by Illumina Laboratory Services, Illumina and Counsyl); PubMed 22057634 (cited by Counsyl); PubMed 18306167 (cited by OMIM).